The following is an entry in ClinVar:

ClinVar aggregate classification (germline): Uncertain significance (1 of 4 stars; one submission).

Conditions:
Alagille syndrome due to a JAG1 point mutation. Also called: Alagille Syndrome 1; JAG1-Related Alagille Syndrome; HEPATIC DUCTULAR HYPOPLASIA, SYNDROMATIC. Identifiers: Orphanet 261619, Orphanet 52, MedGen C1956125, MONDO:0016862, OMIM 118450.

gnomAD v4.1: 13 of 1,613,280 alleles (0.00081%); highest among the groups gnomAD compares: Non-Finnish European, 0.0011%; no homozygotes.

Submission:

Labcorp Genetics (formerly Invitae), Labcorp
Classification: Uncertain significance for Alagille syndrome due to a JAG1 point mutation. Last evaluated: 2024-12-30. Review status: criteria provided, single submitter. Criteria: Invitae Variant Classification Sherloc (09022015). Collection method: clinical testing. Allele origin: germline.
Comment: This sequence change replaces valine, which is neutral and non-polar, with phenylalanine, which is neutral and non-polar, at codon 86 of the JAG1 protein (p.Val86Phe). This variant is not present in population databases (gnomAD no frequency). This variant has not been reported in the literature in individuals affected with JAG1-related conditions. Invitae Evidence Modeling of protein sequence and biophysical properties (such as structural, functional, and spatial information, amino acid conservation, physicochemical variation, residue mobility, and thermodynamic stability) has been performed for this missense variant. However, the output from this modeling did not meet the statistical confidence thresholds required to predict the impact of this variant on JAG1 protein function. In summary, the available evidence is currently insufficient to determine the role of this variant in disease. Therefore, it has been classified as a Variant of Uncertain Significance.

NM_000214.3(JAG1):c.256G>T (p.Val86Phe)

Gene: JAG1 (jagged canonical Notch ligand 1; minus strand). Cytogenetic location: 20p12.2.
Variant type: single nucleotide variant.
Coding change: c.256G>T on transcript NM_000214.3 (MANE Select); coding-DNA position 256, G replaced by T.
Protein change: p.Val86Phe; replaces valine 86 with phenylalanine.
Molecular consequence: missense variant.
Genome position (GRCh38, 1-based): chr20:10,672,832, C>A on the plus strand (G>T on the coding strand, the complement: JAG1 is on the minus strand). VCF-style: chr20-10672832-C-A. GRCh37 (hg19) VCF-style: chr20-10653480-C-A.
Other names: short protein forms V86F.
Identifiers: ClinVar variation 3620067 (VCV003620067.2).
Genomic context (GRCh38, chr20:10,672,832, plus strand): 5'-TGTTGCCCCCGATGACAGGCGTGGACCCTGAGCCGAAGCTGCAGGGCCCCCCGGCCGTGA[C>A]GCGGGACTGATACTCCTTGAGGCACACTTTGAAGTATGTGTCACACTCGTCGCGGGTGCA-3'
Protein context (NP_000205.1, residues 76-96): KVCLKEYQSR[Val86Phe]TAGGPCSFGS